The following is an entry in ClinVar:

NM_198253.3(TERT):c.2844-12C>T

Gene: TERT (telomerase reverse transcriptase; minus strand). Cytogenetic location: 5p15.33.
Variant type: single nucleotide variant.
Coding change: c.2844-12C>T on transcript NM_198253.3 (MANE Select); 12 bases into the intron before coding-DNA position 2844, C replaced by T.
Molecular consequence: intron variant.
Genome position (GRCh38, 1-based): chr5:1,260,612, G>A on the plus strand (C>T on the coding strand, the complement: TERT is on the minus strand). VCF-style: chr5-1260612-G-A. GRCh37 (hg19) VCF-style: chr5-1260727-G-A.
Other names: c.2655-12C>T (NM_001193376.3).
Identifiers: ClinVar variation 1537012 (VCV001537012.10), dbSNP rs199765802, ClinGen allele CA3184365.
Genomic context (GRCh38, chr5:1,260,612, plus strand): 5'-GAAGCCGCGGTTGAAGGTGAGACTGGCTCTGATGGAGGTCCGGGCATAGCTGAGACACAG[G>A]GGGGAATGTCAGACACAGGTGCCTGCCCCACACCCAGCCCCCTCCTGCAAAGCTTGCTCC-3'

ClinVar aggregate classification (germline): Conflicting classifications of pathogenicity. Review status: criteria provided, conflicting classifications (1 of 4 stars). 3 submissions from 3 submitters: Uncertain significance (1); Likely benign (2). Last evaluated 2026-01-22.

Conditions:
Idiopathic Pulmonary Fibrosis. Also called: Idiopathic fibrosing alveolitis, chronic form; idiopathic fibrosing alveolitis. Identifiers: Orphanet 2032, MedGen C1800706, MeSH D054990, MONDO:0800504.
Dyskeratosis congenita, autosomal dominant 2. Identifiers: MedGen C3151443, MONDO:0013521, OMIM 613989.
Dyskeratosis congenita. Identifiers: Orphanet 1775, MedGen C0265965, MONDO:0015780.

Allele frequency attached by ClinVar (database versions not stated): 1000 Genomes Project 30x 0.00016.
gnomAD v4.1: 13 of 1,613,672 alleles (0.00081%); highest among the groups gnomAD compares: East Asian, 0.025%; no homozygotes.

Submissions (3):

Labcorp Genetics (formerly Invitae), Labcorp
Classification: Likely benign for Dyskeratosis congenita, autosomal dominant 2; Idiopathic Pulmonary Fibrosis. Last evaluated: 2026-01-22. Review status: criteria provided, single submitter. Criteria: Invitae Variant Classification Sherloc (09022015). Collection method: clinical testing. Allele origin: germline.

Blueprint Genetics
Classification: Likely benign. Last evaluated: 2024-03-07. Review status: criteria provided, single submitter. Criteria: ACMG Guidelines, 2015. Collection method: clinical testing. Allele origin: germline.

Sema4
Classification: Uncertain significance for Dyskeratosis congenita. Last evaluated: 2021-12-13. Review status: criteria provided, single submitter. Criteria: Sema4 Curation Guidelines. Collection method: curation. Allele origin: germline.
Comment: The TERT c.2844-12C>T variant has not been reported in the literature to our knowledge. It was observed in 9/19532 chromosomes of the East Asian subpopulation in the large and broad cohorts of the Genome Aggregation Database (PMID: 32461654). The variant has not been reported in ClinVar. In silico tools developed to predict the effect of sequence changes on RNA splicing do not suggest a negative effect on normal splicing, though these predictions have not been confirmed by functional studies. There is no indication that this variant causes disease, but the evidence is insufficient currently to prove that conclusively. Thus, the clinical significance of this variant is currently uncertain.